The following is an entry in ClinVar:

ClinVar aggregate classification (germline): Uncertain significance (1 of 4 stars; one submission).

Conditions:
Muscular dystrophy-dystroglycanopathy (congenital with brain and eye anomalies), type a, 11 (MDDGA11). Also called: WALKER-WARBURG SYNDROME OR MUSCLE-EYE-BRAIN DISEASE, B3GALNT2-RELATED; Congenital muscular dystrophy-dystroglycanopathy with brain and eye anomalies, type A11; Muscular dystrophy-dystroglycanopathy (congenital with brain and eye anomalies, type A, 11. Identifiers: Orphanet 588, Orphanet 899, MedGen C3554638, MONDO:0014071, OMIM 615181.

Submission:

Labcorp Genetics (formerly Invitae), Labcorp
Classification: Uncertain significance for Muscular dystrophy-dystroglycanopathy (congenital with brain and eye anomalies), type a, 11. Last evaluated: 2022-05-29. Review status: criteria provided, single submitter. Criteria: Invitae Variant Classification Sherloc (09022015). Collection method: clinical testing. Allele origin: germline.
Comment: This sequence change replaces tryptophan, which is neutral and slightly polar, with glycine, which is neutral and non-polar, at codon 74 of the B3GALNT2 protein (p.Trp74Gly). This variant is not present in population databases (gnomAD no frequency). This variant has not been reported in the literature in individuals affected with B3GALNT2-related conditions. Algorithms developed to predict the effect of missense changes on protein structure and function are either unavailable or do not agree on the potential impact of this missense change (SIFT: "Tolerated"; PolyPhen-2: "Probably Damaging"; Align-GVGD: "Class C0"). In summary, the available evidence is currently insufficient to determine the role of this variant in disease. Therefore, it has been classified as a Variant of Uncertain Significance.

NM_152490.5(B3GALNT2):c.220T>G (p.Trp74Gly)

Gene: B3GALNT2 (beta-1,3-N-acetylgalactosaminyltransferase 2; minus strand). Cytogenetic location: 1q42.3.
Variant type: single nucleotide variant.
Coding change: c.220T>G on transcript NM_152490.5 (MANE Select); coding-DNA position 220, T replaced by G.
Protein change: p.Trp74Gly; replaces tryptophan 74 with glycine.
Molecular consequence: missense variant.
Genome position (GRCh38, 1-based): chr1:235,494,721, A>C on the plus strand (T>G on the coding strand, the complement: B3GALNT2 is on the minus strand). VCF-style: chr1-235494721-A-C. GRCh37 (hg19) VCF-style: chr1-235658031-A-C.
Other names: c.343T>G, p.Trp115Gly (NM_001277155.3); short protein forms W74G, W115G.
Identifiers: ClinVar variation 2000287 (VCV002000287.4), dbSNP rs1285689792, ClinGen allele CA344931017.